The following is an entry in ClinVar:

NM_199242.3(UNC13D):c.1447-33G>A

Gene: UNC13D (unc-13 homolog D; minus strand). Cytogenetic location: 17q25.1.
Variant type: single nucleotide variant.
Coding change: c.1447-33G>A on transcript NM_199242.3 (MANE Select); 33 bases into the intron before coding-DNA position 1447, G replaced by A.
Molecular consequence: intron variant.
Genome position (GRCh38, 1-based): chr17:75,836,142, C>T on the plus strand (G>A on the coding strand, the complement: UNC13D is on the minus strand). VCF-style: chr17-75836142-C-T. GRCh37 (hg19) VCF-style: chr17-73832223-C-T.
Identifiers: ClinVar variation 5019253 (VCV005019253.2).
Genomic context (GRCh38, chr17:75,836,142, plus strand): 5'-GCAAGGCCTTGCCTGCCTCCGGGATGCCCTGCAGAGACAGAGGTGGGCTGGGCAGGGCTG[C>T]CAGAGGCAGGCACCACCCCCCGTGACCCCCTGCCCTCCCCCTTGCCCAGCCCCTCACCTG-3'

ClinVar aggregate classification (germline): Uncertain significance (1 of 4 stars; one submission).

Conditions:
Familial hemophagocytic lymphohistiocytosis 3 (FHL3). Also called: UNC13D-Related Familial Hemophagocytic Lymphohistiocytosis (UNC13D-fHLH). Identifiers: Orphanet 540, MedGen C1837174, MONDO:0012146, OMIM 608898.

gnomAD v4.1: 1 of 1,612,508 alleles (0.000062%); highest among the groups gnomAD compares: South Asian, 0.0011%; no homozygotes.

Submission:

Juno Genomics, Hangzhou Juno Genomics, Inc
Classification: Uncertain significance for Familial hemophagocytic lymphohistiocytosis 3. Review status: criteria provided, single submitter. Criteria: ACMG Guidelines, 2015. Collection method: clinical testing. Allele origin: germline.
Comment: Absent from controls (or at extremely low frequency if recessive) in Genome Aggregation Database.;Multiple lines of computational evidence support a deleterious effect on the gene or gene product.